The following is an entry in ClinVar:

ClinVar aggregate classification (germline): Uncertain significance (1 of 4 stars; one submission).

Conditions:
Inherited glutathione synthetase deficiency. Identifiers: Orphanet 32, MedGen C5979912, MONDO:0017909.

gnomAD v4.1: 1 of 1,613,770 alleles (0.000062%); highest among the groups gnomAD compares: African/African-American, 0.0013%; no homozygotes.

Submission:

Labcorp Genetics (formerly Invitae), Labcorp
Classification: Uncertain significance for Glutathione synthetase deficiency with 5-oxoprolinuria. Last evaluated: 2021-08-30. Review status: criteria provided, single submitter. Criteria: Invitae Variant Classification Sherloc (09022015). Collection method: clinical testing. Allele origin: germline.
Comment: This sequence change replaces arginine with glycine at codon 25 of the GSS protein (p.Arg25Gly). The arginine residue is moderately conserved and there is a moderate physicochemical difference between arginine and glycine. This variant is not present in population databases (ExAC no frequency). This variant has not been reported in the literature in individuals affected with GSS-related conditions. Algorithms developed to predict the effect of missense changes on protein structure and function (SIFT, PolyPhen-2, Align-GVGD) all suggest that this variant is likely to be tolerated. In summary, the available evidence is currently insufficient to determine the role of this variant in disease. Therefore, it has been classified as a Variant of Uncertain Significance.

NM_000178.4(GSS):c.73C>G (p.Arg25Gly)

Gene: GSS (glutathione synthetase; minus strand). Cytogenetic location: 20q11.22.
Variant type: single nucleotide variant.
Coding change: c.73C>G on transcript NM_000178.4 (MANE Select); coding-DNA position 73, C replaced by G.
Protein change: p.Arg25Gly; replaces arginine 25 with glycine.
Molecular consequence: missense variant.
Genome position (GRCh38, 1-based): chr20:34,951,780, G>C on the plus strand (C>G on the coding strand, the complement: GSS is on the minus strand). VCF-style: chr20-34951780-G-C. GRCh37 (hg19) VCF-style: chr20-33539583-G-C.
Other names: c.73C>G, p.Arg25Gly (NM_001322494.1, NM_001322495.1, LRG_1168t1); short protein forms R25G.
Identifiers: ClinVar variation 461479 (VCV000461479.6), dbSNP rs930264754, ClinGen allele CA408706555.